The following is an entry in ClinVar:

NM_001009944.3(PKD1):c.10990G>A (p.Val3664Ile)

Genes: PKD1 (polycystin 1, transient receptor potential channel interacting; minus strand), PKD1-AS1 (PKD1 antisense RNA 1; plus strand). Cytogenetic location: 16p13.3.
Variant type: single nucleotide variant.
Coding change: c.10990G>A on transcript NM_001009944.3 (MANE Select); coding-DNA position 10990, G replaced by A.
Protein change: p.Val3664Ile; replaces valine 3664 with isoleucine.
Molecular consequence: missense variant.
Genome position (GRCh38, 1-based): chr16:2,093,570, C>T on the plus strand (G>A on the coding strand, the complement: PKD1 is on the minus strand). VCF-style: chr16-2093570-C-T. GRCh37 (hg19) VCF-style: chr16-2143571-C-T.
Other names: c.10987G>A, p.Val3663Ile (NM_000296.4); short protein forms V3663I, V3664I.
Identifiers: ClinVar variation 3061139 (VCV003061139.2), dbSNP rs112970540, ClinGen allele CA276768538.
Genomic context (GRCh38, chr16:2,093,570, plus strand): 5'-AGGTGGCAGGGGCACAGGCCGCACCCAGGCTCACCCGCAGCATGCCATGTAGCCTCTTGA[C>T]CTTGCGGGCTTCTTCCTTGGCCAGGAAGAGTGCAAAGCCGTGGGGTGGCCGTACGCGGGG-3'
Protein context (NP_001009944.3, residues 3654-3674): LFLAKEEARK[Val3664Ile]KRLHGMLRSL

ClinVar aggregate classification (germline): Uncertain significance (0 of 4 stars; one submission).

Conditions:
PKD1-related disorder. Also called: PKD1-related condition.

gnomAD v4.1: 6 of 1,606,192 alleles (0.00037%); highest among the groups gnomAD compares: African/African-American, 0.0027%; no homozygotes.

Submission:

PreventionGenetics, part of Exact Sciences
Classification: Uncertain significance for PKD1-related condition. Last evaluated: 2024-02-28. Review status: no assertion criteria provided. Collection method: clinical testing. Allele origin: germline.
Comment: The PKD1 c.10990G>A variant is predicted to result in the amino acid substitution p.Val3664Ile. To our knowledge, this variant has not been reported in the literature or in a large population database, indicating this variant is rare. At this time, the clinical significance of this variant is uncertain due to the absence of conclusive functional and genetic evidence.